The following is an entry in ClinVar:

ClinVar aggregate classification (germline): Benign (1 of 4 stars; one submission).

Conditions:
Congenital defect of folate absorption. Also called: Hereditary Folate Malabsorption. Identifiers: Orphanet 90045, MedGen C0342705, MONDO:0009238, OMIM 229050.

Allele frequency attached by ClinVar (database versions not stated): gnomAD exomes 0.00447; TOPMed 0.00528; 1000 Genomes Project 0.01318; 1000 Genomes Project 30x 0.01468.
gnomAD v4.1: 958 of 202,942 alleles (0.47%); highest among the groups gnomAD compares: Admixed American, 4.9%; 35 homozygotes.

Submission:

Illumina Laboratory Services, Illumina
Classification: Benign for Congenital defect of folate absorption. Last evaluated: 2018-01-13. Review status: criteria provided, single submitter. Criteria: ICSL Variant Classification Criteria 13 December 2019. Collection method: clinical testing. Allele origin: germline.
Comment: This variant was observed in the ICSL laboratory as part of a predisposition screen in an ostensibly healthy population. It had not been previously curated by ICSL or reported in the Human Gene Mutation Database (HGMD: prior to June 1st, 2018), and was therefore a candidate for classification through an automated scoring system. Utilizing variant allele frequency, disease prevalence and penetrance estimates, and inheritance mode, an automated score was calculated to assess if this variant is too frequent to cause the disease. Based on the score and internal cut-off values, a variant classified as benign is not then subjected to further curation. The score for this variant resulted in a classification of benign for this disease.

NM_080669.6(SLC46A1):c.*2968C>T

Genes: SARM1 (sterile alpha and TIR motif containing 1; plus strand), SLC46A1 (solute carrier family 46 member 1; minus strand). Cytogenetic location: 17q11.2.
Variant type: single nucleotide variant.
Coding change: c.*2968C>T on transcript NM_080669.6 (MANE Select); 2968 bases downstream of the stop codon, C replaced by T.
Molecular consequence: 3 prime UTR variant.
Genome position (GRCh38, 1-based): chr17:28,396,688, G>A on the plus strand (C>T on the coding strand, the complement: SLC46A1 is on the minus strand). VCF-style: chr17-28396688-G-A. GRCh37 (hg19) VCF-style: chr17-26723707-G-A.
Other names: c.*2968C>T (NM_001242366.3); c.*402G>A (NM_015077.4).
Identifiers: ClinVar variation 322364 (VCV000322364.5), dbSNP rs12453383, ClinGen allele CA10648856.